The following is an entry in ClinVar:

NM_016222.4(DDX41):c.907G>A (p.Val303Met)

Gene: DDX41 (DEAD-box helicase 41; minus strand). Cytogenetic location: 5q35.3.
Variant type: single nucleotide variant.
Coding change: c.907G>A on transcript NM_016222.4 (MANE Select); coding-DNA position 907, G replaced by A.
Protein change: p.Val303Met; replaces valine 303 with methionine.
Molecular consequence: missense variant.
Genome position (GRCh38, 1-based): chr5:177,514,729, C>T on the plus strand (G>A on the coding strand, the complement: DDX41 is on the minus strand). VCF-style: chr5-177514729-C-T. GRCh37 (hg19) VCF-style: chr5-176941730-C-T.
Other names: c.529G>A, p.Val177Met (NM_001321732.2, NM_001321830.2); short protein forms V177M, V303M.
Identifiers: ClinVar variation 1800507 (VCV001800507.10), dbSNP rs141982967, ClinGen allele CA3584982.

ClinVar aggregate classification (germline): Uncertain significance. Review status: criteria provided, multiple submitters, no conflicts (2 of 4 stars). 4 submissions from 4 submitters: Uncertain significance (4). Last evaluated 2025-12-16.

Conditions:
DDX41-related hematologic malignancy predisposition syndrome. Also called: Myeloproliferative/lymphoproliferative neoplasms, familial (multiple types), susceptibility to; DDX41-Associated Familial Myelodysplastic Syndrome and Acute Myeloid Leukemia. Identifiers: Orphanet 488647, MedGen C4225174, MONDO:0014809, OMIM 616871.
Inborn genetic diseases. Identifiers: MedGen C0950123, MeSH D030342.

Allele frequency attached by ClinVar (database versions not stated): TOPMed 0.00007; 1000 Genomes Project 0.00020; gnomAD 0.00009; gnomAD exomes 0.00021; ESP Exome Variant Server 0.00015; 1000 Genomes Project 30x 0.00016.

Submissions (4):

Labcorp Genetics (formerly Invitae), Labcorp
Classification: Uncertain significance. Last evaluated: 2025-12-16. Review status: criteria provided, single submitter. Criteria: Invitae Variant Classification Sherloc (09022015). Collection method: clinical testing. Allele origin: germline.
Comment: This sequence change replaces valine, which is neutral and non-polar, with methionine, which is neutral and non-polar, at codon 303 of the DDX41 protein (p.Val303Met). This variant is present in population databases (rs141982967, gnomAD 0.02%). This missense change has been observed in individual(s) with DDX41-related conditions (PMID: 37199125, 37506341). ClinVar contains an entry for this variant (Variation ID: 1800507). An algorithm developed to predict the effect of missense changes on protein structure and function (PolyPhen-2) suggests that this variant is likely to be tolerated. In summary, the available evidence is currently insufficient to determine the role of this variant in disease. Therefore, it has been classified as a Variant of Uncertain Significance.

GeneDx
Classification: Uncertain significance. Last evaluated: 2024-12-29. Review status: criteria provided, single submitter. Criteria: GeneDx Variant Classification Process June 2021. Collection method: clinical testing. Allele origin: germline.
Comment: In silico analysis indicates that this missense variant does not alter protein structure/function; Identified in individuals with cytopenia, myeloproliferative neoplasm, or AML (PMID: 37434984, 37199125); This variant is associated with the following publications: (PMID: 37506341, 27721487, 37434984, 37199125)

Ambry Genetics
Classification: Uncertain significance for Inborn genetic diseases. Last evaluated: 2024-12-11. Review status: criteria provided, single submitter. Criteria: Ambry Variant Classification Scheme 2023. Collection method: clinical testing. Allele origin: germline.
Comment: The p.V303M variant (also known as c.907G>A), located in coding exon 9 of the DDX41 gene, results from a G to A substitution at nucleotide position 907. The valine at codon 303 is replaced by methionine, an amino acid with highly similar properties. This variant was reported in individual(s) with features consistent with DDX41-related hematologic malignancy predisposition syndrome, but germline origin was not confirmed (Badar T et al. Haematologica, 2023 Nov;108:3033-3043; Maierhofer A et al. Blood Adv, 2023 Dec;7:7346-7357). This amino acid position is highly conserved in available vertebrate species. In addition, this alteration is predicted to be tolerated by in silico analysis. Based on the available evidence, the clinical significance of this variant remains unclear.

Baylor Genetics
Classification: Uncertain significance for DDX41-related hematologic malignancy predisposition syndrome. Last evaluated: 2024-02-16. Review status: criteria provided, single submitter. Criteria: ACMG Guidelines, 2015. Collection method: clinical testing. Allele origin: unknown.

Literature cited by the submitters: PubMed 37199125 (cited by Labcorp Genetics (formerly Invitae), Labcorp and Ambry Genetics); PubMed 37506341 (cited by Labcorp Genetics (formerly Invitae), Labcorp); PubMed 37874914 (cited by Ambry Genetics).